The following is an entry in ClinVar:

ClinVar aggregate classification (germline): Uncertain significance (1 of 4 stars; one submission).

Allele frequency attached by ClinVar (database versions not stated): gnomAD exomes below 0.00001.
gnomAD v4.1: 2 of 1,612,132 alleles (0.00012%); highest among the groups gnomAD compares: Non-Finnish European, 0.00017%; no homozygotes.

Submission:

GeneDx
Classification: Uncertain significance. Last evaluated: 2018-05-29. Review status: criteria provided, single submitter. Criteria: GeneDx Variant Classification (06012015). Collection method: clinical testing. Allele origin: germline. Affected: yes.
Comment: A variant of uncertain significance has been identified in the DEPDC5 gene. The L713I variant has not been published as a pathogenic variant, nor has it been reported as a benign variant to our knowledge. The L713I variant is not observed in large population cohorts (Lek et al., 2016). The L713I variant is a conservative amino acid substitution, which is not likely to impact secondary protein structure as these residues share similar properties. In-silico analyses, including protein predictors and evolutionary conservation, support that this variant does not alter protein structure/function. Based on the currently available information, it is unclear whether this variant is a pathogenic variant or a rare benign variant.

NM_001242896.3(DEPDC5):c.2137C>A (p.Leu713Ile)

Gene: DEPDC5 (DEP domain containing 5, GATOR1 subcomplex subunit; plus strand). Cytogenetic location: 22q12.3.
Variant type: single nucleotide variant.
Coding change: c.2137C>A on transcript NM_001242896.3 (MANE Select); coding-DNA position 2137, C replaced by A.
Protein change: p.Leu713Ile; replaces leucine 713 with isoleucine.
Molecular consequence: missense variant. On other transcripts: non-coding transcript variant (5).
Genome position (GRCh38, 1-based): chr22:31,833,947, C>A. VCF-style: chr22-31833947-C-A. GRCh37 (hg19) VCF-style: chr22-32229933-C-A.
Other names: c.2137C>A, p.Leu713Ile (NM_001136029.4, NM_001363852.2, NM_001364318.2 and 3 more transcripts); c.1903C>A, p.Leu635Ile (NM_001242897.2, NM_001363854.2, NM_001364319.2); c.2053C>A, p.Leu685Ile (NM_001369901.1, NM_001369902.1); short protein forms L635I, L713I, L685I.
Identifiers: ClinVar variation 546519 (VCV000546519.2), dbSNP rs1555894264, ClinGen allele CA411284298.